The following is an entry in ClinVar:

NM_001037.5(SCN1B):c.591-8C>T

Gene: SCN1B (sodium voltage-gated channel beta subunit 1; plus strand). Cytogenetic location: 19q13.11.
Variant type: single nucleotide variant.
Coding change: c.591-8C>T on transcript NM_001037.5 (MANE Select); 8 bases into the intron before coding-DNA position 591, C replaced by T.
Molecular consequence: intron variant.
Genome position (GRCh38, 1-based): chr19:35,039,627, C>T. VCF-style: chr19-35039627-C-T. GRCh37 (hg19) VCF-style: chr19-35530531-C-T.
Other names: c.492-8C>T (NM_001321605.2).
Identifiers: ClinVar variation 3020470 (VCV003020470.14), dbSNP rs758872596, ClinGen allele CA9372117.

ClinVar aggregate classification (germline): Conflicting classifications of pathogenicity. Review status: criteria provided, conflicting classifications (1 of 4 stars). 3 submissions from 3 submitters: Uncertain significance (1); Likely benign (2). Last evaluated 2025-05-01.

Conditions:
Brugada syndrome 5 (BRGDA5). Identifiers: Orphanet 130, Orphanet 871, MedGen C2748541, MONDO:0013015, OMIM 612838.

Allele frequency attached by ClinVar (database versions not stated): ExAC 0.00002; gnomAD exomes 0.00001.
gnomAD v4.1: 12 of 1,614,164 alleles (0.00074%); highest among the groups gnomAD compares: South Asian, 0.013%; 1 homozygote.

Submissions (3):

CeGaT Center for Human Genetics Tuebingen
Classification: Likely benign. Last evaluated: 2025-05-01. Review status: criteria provided, single submitter. Criteria: CeGaT Center For Human Genetics Tuebingen Variant Classification Criteria Version 2. Collection method: clinical testing. Allele origin: germline. Affected: yes. Observed: 1 variant allele.
Comment: SCN1B: BP4

Labcorp Genetics (formerly Invitae), Labcorp
Classification: Uncertain significance for Brugada syndrome 5. Last evaluated: 2025-03-01. Review status: criteria provided, single submitter. Criteria: Invitae Variant Classification Sherloc (09022015). Collection method: clinical testing. Allele origin: germline.
Comment: The SCN1B gene has multiple clinically relevant transcripts. This variant occurs in alternate transcript NM_001037.5, and corresponds to NM_199037.4:c.*5529C>T in the primary transcript. This sequence change falls in intron 4 of the SCN1B gene. It does not directly change the encoded amino acid sequence of the SCN1B protein. This variant is present in population databases (rs758872596, gnomAD 0.02%). This variant has not been reported in the literature in individuals affected with SCN1B-related conditions. Experimental studies and prediction algorithms are not available or were not evaluated, and the effect of this variant on mRNA splicing is currently unknown. In summary, the available evidence is currently insufficient to determine the role of this variant in disease. Therefore, it has been classified as a Variant of Uncertain Significance.

Blueprint Genetics
Classification: Likely benign. Last evaluated: 2020-08-18. Review status: criteria provided, single submitter. Criteria: ACMG Guidelines, 2015. Collection method: clinical testing. Allele origin: germline.